The following is an entry in ClinVar:

ClinVar aggregate classification (germline): Uncertain significance (1 of 4 stars; one submission).

Allele frequency attached by ClinVar (database versions not stated): gnomAD exomes below 0.00001; TOPMed below 0.00001.
gnomAD v4.1: 2 of 1,613,180 alleles (0.00012%); highest among the groups gnomAD compares: Non-Finnish European, 0.00017%; no homozygotes.

Submission:

Ambry Genetics
Classification: Uncertain significance. Last evaluated: 2024-06-27. Review status: criteria provided, single submitter. Criteria: Ambry Variant Classification Scheme 2023. Collection method: clinical testing. Allele origin: germline.
Comment: The p.A1996V variant (also known as c.5987C>T), located in coding exon 9 of the ALPK2 gene, results from a C to T substitution at nucleotide position 5987. The alanine at codon 1996 is replaced by valine, an amino acid with similar properties. This amino acid position is conserved. In addition, this alteration is predicted to be tolerated by in silico analysis. Since supporting evidence is limited at this time, the clinical significance of this alteration remains unclear.

NM_052947.4(ALPK2):c.5987C>T (p.Ala1996Val)

Gene: ALPK2 (alpha kinase 2; minus strand). Cytogenetic location: 18q21.31.
Variant type: single nucleotide variant.
Coding change: c.5987C>T on transcript NM_052947.4 (MANE Select); coding-DNA position 5987, C replaced by T.
Protein change: p.Ala1996Val; replaces alanine 1996 with valine.
Molecular consequence: missense variant.
Genome position (GRCh38, 1-based): chr18:58,515,035, G>A on the plus strand (C>T on the coding strand, the complement: ALPK2 is on the minus strand). VCF-style: chr18-58515035-G-A. GRCh37 (hg19) VCF-style: chr18-56182267-G-A.
Other names: short protein forms A1996V.
Identifiers: ClinVar variation 1750866 (VCV001750866.3), dbSNP rs2051513885, ClinGen allele CA402546251.